The following is an entry in ClinVar:

ClinVar aggregate classification (germline): Conflicting classifications of pathogenicity. Review status: criteria provided, conflicting classifications (1 of 4 stars). 2 submissions from 2 submitters: Likely pathogenic (1); Uncertain significance (1). Last evaluated 2024-12-23.

Conditions:
Epidermolysis bullosa simplex 7, with nephropathy and deafness. Also called: Nephrotic syndrome - deafness - pretibial epidermolysis bullosa syndrome; Nephropathy with Pretibial Epidermolysis Bullosa and Deafness. Identifiers: Orphanet 300333, MedGen C1836823, MONDO:0012190, OMIM 609057.
RAPH BLOOD GROUP SYSTEM. Also called: MER2 BLOOD CELL ANTIGEN EXPRESSION. Identifiers: MedGen C1867341, OMIM 179620.

gnomAD v4.1: 9 of 1,612,922 alleles (0.00056%); highest among the groups gnomAD compares: African/African-American, 0.0013%; no homozygotes.

Submissions (2):

Labcorp Genetics (formerly Invitae), Labcorp
Classification: Uncertain significance. Last evaluated: 2024-12-23. Review status: criteria provided, single submitter. Criteria: Invitae Variant Classification Sherloc (09022015). Collection method: clinical testing. Allele origin: germline.
Comment: This sequence change creates a premature translational stop signal (p.Gln136*) in the CD151 gene. It is expected to result in an absent or disrupted protein product. However, the current clinical and genetic evidence is not sufficient to establish whether loss-of-function variants in CD151 cause disease. This variant is present in population databases (rs143725953, gnomAD 0.01%). This variant has not been reported in the literature in individuals affected with CD151-related conditions. In summary, the available evidence is currently insufficient to determine the role of this variant in disease. Therefore, it has been classified as a Variant of Uncertain Significance.

Fulgent Genetics
Classification: Likely pathogenic for RAPH BLOOD GROUP SYSTEM; Epidermolysis bullosa simplex 7, with nephropathy and deafness. Last evaluated: 2024-01-04. Review status: criteria provided, single submitter. Criteria: ACMG Guidelines, 2015. Collection method: clinical testing. Allele origin: germline.

NM_004357.5(CD151):c.406C>T (p.Gln136Ter)

Gene: CD151 (CD151 molecule (Raph blood group); plus strand). Cytogenetic location: 11p15.5.
Variant type: single nucleotide variant.
Coding change: c.406C>T on transcript NM_004357.5 (MANE Select); coding-DNA position 406, C replaced by T.
Protein change: p.Gln136Ter; replaces glutamine 136 with a stop codon.
Molecular consequence: nonsense.
Genome position (GRCh38, 1-based): chr11:837,304, C>T. VCF-style: chr11-837304-C-T. GRCh37 (hg19) VCF-style: chr11-837304-C-T.
Other names: c.406C>T, p.Gln136Ter (NM_001039490.2, NM_139029.2, NM_139030.4); short protein forms Q136*.
Identifiers: ClinVar variation 3574096 (VCV003574096.3).